The following is an entry in ClinVar:

ClinVar aggregate classification (germline): Pathogenic (1 of 4 stars; one submission).

Conditions:
Hereditary cancer-predisposing syndrome. Also called: Neoplastic Syndromes, Hereditary; Tumor predisposition; Hereditary Cancer Syndrome; Hereditary neoplastic syndrome. Identifiers: Orphanet 140162, MedGen C0027672, MeSH D009386, MONDO:0015356.

Submission:

Ambry Genetics
Classification: Pathogenic for Hereditary cancer-predisposing syndrome. Last evaluated: 2022-01-05. Review status: criteria provided, single submitter. Criteria: Ambry Variant Classification Scheme 2023. Collection method: clinical testing. Allele origin: germline.
Comment: The c.1962_1963dupGT pathogenic mutation, located in coding exon 4 of the MSH6 gene, results from a duplication of GT at nucleotide position 1962, causing a translational frameshift with a predicted alternate stop codon (p.L655Cfs*9). This variant is considered to be rare based on population cohorts in the Genome Aggregation Database (gnomAD). This alteration is expected to result in loss of function by premature protein truncation or nonsense-mediated mRNA decay. As such, this alteration is interpreted as a disease-causing mutation.

NM_000179.3(MSH6):c.1962_1963dup (p.Leu655fs)

Gene: MSH6 (mutS homolog 6; plus strand). Cytogenetic location: 2p16.3.
Variant type: Duplication.
Coding change: c.1962_1963dup on transcript NM_000179.3 (MANE Select); coding-DNA positions 1962 to 1963, 2 bases duplicated (GT; older notation c.1962_1963dupGT).
Protein change: p.Leu655fs; shifts the reading frame from leucine 655.
Molecular consequence: frameshift variant.
Genome position (GRCh38, 1-based): chr2:47,799,945-47,799,946, GT duplicated; duplicating any 2 consecutive bases within chr2:47,799,944-47,799,946 gives the same sequence; the c. name uses the placement nearest the transcript's 3' end. VCF-style (leftmost placement, unchanged base first): chr2-47799943-A-ATG. GRCh37 (hg19) VCF-style: chr2-48027082-A-ATG.
Other names: c.1665_1666dup, p.Leu556Cysfs (NM_001406805.1, NM_001406801.1, NM_001406797.1 and 10 more transcripts); c.1437_1438dup, p.Leu480Cysfs (NM_001406806.1, NM_001406799.1, NM_001406807.1); c.1884_1885dup, p.Leu629Cysfs (NM_001406804.1); c.2058_2059dup, p.Leu687Cysfs (NM_001406802.1, NM_001406795.1); c.1962_1963dup, p.Leu655Cysfs (NM_001406803.1, NM_001406796.1, NM_001406798.1 and 3 more transcripts); c.1572_1573dup, p.Leu525fs (NM_001281492.2); c.1056_1057dup, p.Leu353fs (NM_001281493.2, NM_001281494.2); c.1056_1057dup, p.Leu353Cysfs (NM_001406811.1, NM_001406812.1, NM_001406814.1 and 4 more transcripts); and 3 more; short protein forms L525fs, L353fs, L655fs.
Identifiers: ClinVar variation 1783454 (VCV001783454.2), dbSNP rs2530641572, ClinGen allele CA2580067738.